The following is an entry in ClinVar:

ClinVar aggregate classification (germline): Pathogenic. Review status: reviewed by expert panel (3 of 4 stars). 2 submissions from 2 submitters: Pathogenic (1). 1 of the submissions does not count toward it. Last evaluated 2017-12-15.

Conditions:
Breast-ovarian cancer, familial, susceptibility to, 2 (BROVCA2). Also called: BRCA2 Hereditary Breast and Ovarian Cancer. Identifiers: Orphanet 145, MedGen C2675520, MONDO:0012933, OMIM 612555. Disease mechanism: loss of function.
Familial cancer of breast. Also called: BREAST CANCER, FAMILIAL; Hereditary breast cancer; hereditary breast carcinoma. Identifiers: Orphanet 227535, MedGen C0346153, MONDO:0016419, OMIM 114480. Disease mechanism: loss of function.

Submissions (2):

Evidence-based Network for the Interpretation of Germline Mutant Alleles (ENIGMA)
Classification: Pathogenic for Breast-ovarian cancer, familial, susceptibility to, 2. Last evaluated: 2017-12-15. Review status: reviewed by expert panel. Criteria: ENIGMA BRCA1/2 Classification Criteria (2017-06-29). Collection method: curation. Allele origin: germline. Study: ENIGMA.
Comment: Variant allele predicted to encode a truncated non-functional protein.

ClinVar Staff, National Center for Biotechnology Information (NCBI)
No classification provided. Condition: Familial cancer of breast. Review status: no classification provided. Collection method: literature only. Allele origin: germline. Affected: yes. Not counted in ClinVar's aggregate classification.

Literature cited by the submitters: PubMed 12402332 (cited by ClinVar Staff, National Center for Biotechnology Information (NCBI)).

NM_000059.4(BRCA2):c.1596_1597del (p.Glu532fs)

Gene: BRCA2 (BRCA2 DNA repair associated; plus strand). Cytogenetic location: 13q13.1.
Variant type: Deletion.
Coding change: c.1596_1597del on transcript NM_000059.4 (MANE Select); coding-DNA positions 1596 to 1597, 2 bases deleted (AA; older notation c.1596_1597delAA).
Protein change: p.Glu532fs; shifts the reading frame from glutamic acid 532.
Molecular consequence: frameshift variant.
Genome position (GRCh38, 1-based): chr13:32,333,074-32,333,075, AA deleted; deleting any 2 consecutive bases within chr13:32,333,073-32,333,075 gives the same sequence; the c. name uses the placement nearest the transcript's 3' end. VCF-style (leftmost placement, unchanged base first): chr13-32333072-GAA-G. GRCh37 (hg19) VCF-style: chr13-32907209-GAA-G.
Other names: c.1596_1597delAA (NM_000059.3); short protein forms E532fs.
Identifiers: ClinVar variation 51151 (VCV000051151.2), dbSNP rs80359292, ClinGen allele CA012560.